The following is an entry in ClinVar:

NM_138694.4(PKHD1):c.6332+40A>G

Gene: PKHD1 (PKHD1 ciliary IPT domain containing fibrocystin/polyductin; minus strand). Cytogenetic location: 6p12.2.
Variant type: single nucleotide variant.
Coding change: c.6332+40A>G on transcript NM_138694.4 (MANE Select); 40 bases into the intron after coding-DNA position 6332, A replaced by G.
Molecular consequence: intron variant.
Genome position (GRCh38, 1-based): chr6:51,912,326, T>C on the plus strand (A>G on the coding strand, the complement: PKHD1 is on the minus strand). VCF-style: chr6-51912326-T-C. GRCh37 (hg19) VCF-style: chr6-51777124-T-C.
Other names: c.6332+40A>G (NM_170724.3).
Identifiers: ClinVar variation 4060371 (VCV004060371.2).

ClinVar aggregate classification (germline): Likely pathogenic (1 of 4 stars; one submission).

Conditions:
Autosomal recessive polycystic kidney disease (ARPKD). Also called: AR polycystic kidney disease. Identifiers: Orphanet 731, Orphanet 8378, MedGen C0085548, MeSH D017044, MONDO:0009889.

Submission:

Natera, Inc.
Classification: Likely pathogenic for Autosomal recessive polycystic kidney disease. Last evaluated: 2025-01-16. Review status: criteria provided, single submitter. Criteria: Natera Variant Classification Schema (03/2026). Collection method: clinical testing. Allele origin: germline.
Comment: The c.6332+40A>G variant in PKHD1 is an intronic variant located outside the canonical splice sites. This variant is rare in the general population with a frequency below the threshold expected for the associated phenotype(s). This variant has been observed in one or more individuals affected with the associated recessive disease, as either homozygous or compound heterozygous with a second variant (PMID: 38670396). This variant has been identified in one or more affected individual with a phenotype highly consistent with the associated gene (PMID: 38670396). Functional studies show that this variant may disrupt protein function (PMID: 38670396). Given the available evidence, this variant is classified as Likely Pathogenic.

Literature cited by the submitters: PubMed 38670396.